The following is an entry in ClinVar:

NM_012210.4(TRIM32):c.296T>C (p.Met99Thr)

Genes: ASTN2 (astrotactin 2; minus strand), TRIM32 (tripartite motif containing 32; plus strand). Cytogenetic location: 9q33.1.
Variant type: single nucleotide variant.
Coding change: c.296T>C on transcript NM_012210.4 (MANE Select); coding-DNA position 296, T replaced by C.
Protein change: p.Met99Thr; replaces methionine 99 with threonine.
Molecular consequence: missense variant. On other transcripts: intron variant (3).
Genome position (GRCh38, 1-based): chr9:116,698,038, T>C. VCF-style: chr9-116698038-T-C. GRCh37 (hg19) VCF-style: chr9-119460317-T-C.
Other names: c.296T>C, p.Met99Thr (NM_001099679.2, NM_001379048.1, NM_001379049.1 and 1 more transcripts); c.2653+27733A>G (NM_014010.5); c.2794+27733A>G (NM_001365069.1); c.2806+27733A>G (NM_001365068.1); short protein forms M99T.
Identifiers: ClinVar variation 4991734 (VCV004991734.1).

ClinVar aggregate classification (germline): Uncertain significance (1 of 4 stars; one submission).

Conditions:
TRIM32-related disorder. Also called: TRIM32-related condition.

gnomAD v4.1: 5 of 1,614,052 alleles (0.00031%); highest among the groups gnomAD compares: Non-Finnish European, 0.00034%; no homozygotes.

Submission:

PreventionGenetics, part of Exact Sciences
Classification: Uncertain significance for TRIM32-related condition. Last evaluated: 2026-06-11. Review status: criteria provided, single submitter. Criteria: ACMG Guidelines, 2015. Collection method: clinical testing. Allele origin: germline.
Comment: The TRIM32 c.296T>C variant is predicted to result in the amino acid substitution p.Met99Thr. To our knowledge, this variant has not been reported in the literature or in a large population database (gnomAD), indicating this variant is rare. At this time, the clinical significance of this variant is uncertain due to the absence of conclusive functional and genetic evidence.